The following is an entry in ClinVar:

NM_003764.4(STX11):c.440A>C (p.Asn147Thr)

Gene: STX11 (syntaxin 11; plus strand). Cytogenetic location: 6q24.2.
Variant type: single nucleotide variant.
Coding change: c.440A>C on transcript NM_003764.4 (MANE Select); coding-DNA position 440, A replaced by C.
Protein change: p.Asn147Thr; replaces asparagine 147 with threonine.
Molecular consequence: missense variant.
Genome position (GRCh38, 1-based): chr6:144,187,067, A>C. VCF-style: chr6-144187067-A-C. GRCh37 (hg19) VCF-style: chr6-144508204-A-C.
Other names: short protein forms N147T.
Identifiers: ClinVar variation 2079848 (VCV002079848.1), dbSNP rs774411743, ClinGen allele CA365949237.

ClinVar aggregate classification (germline): Uncertain significance (1 of 4 stars; one submission).

Conditions:
Familial hemophagocytic lymphohistiocytosis 4 (FHL4). Also called: STX11-Related Familial Hemophagocytic Lymphohistiocytosis (STX11-fHLH). Identifiers: Orphanet 540, MedGen C1863728, MONDO:0011336, OMIM 603552.

Submission:

Labcorp Genetics (formerly Invitae), Labcorp
Classification: Uncertain significance for Familial hemophagocytic lymphohistiocytosis 4. Last evaluated: 2022-01-11. Review status: criteria provided, single submitter. Criteria: Invitae Variant Classification Sherloc (09022015). Collection method: clinical testing. Allele origin: germline.
Comment: This sequence change replaces asparagine, which is neutral and polar, with threonine, which is neutral and polar, at codon 147 of the STX11 protein (p.Asn147Thr). This variant is not present in population databases (gnomAD no frequency). This variant has not been reported in the literature in individuals affected with STX11-related conditions. Algorithms developed to predict the effect of missense changes on protein structure and function are either unavailable or do not agree on the potential impact of this missense change (SIFT: "Tolerated"; PolyPhen-2: "Possibly Damaging"; Align-GVGD: "Class C0"). In summary, the available evidence is currently insufficient to determine the role of this variant in disease. Therefore, it has been classified as a Variant of Uncertain Significance.